The following is an entry in ClinVar:

ClinVar aggregate classification (germline): Conflicting classifications of pathogenicity. Review status: criteria provided, conflicting classifications (1 of 4 stars). 3 submissions from 3 submitters: Uncertain significance (1); Likely benign (2). Last evaluated 2025-10-01.

Conditions:
Compton-North congenital myopathy (CMYO12). Identifiers: Orphanet 210163, MedGen C2675527, MONDO:0012929, OMIM 612540.

Allele frequency attached by ClinVar (database versions not stated): gnomAD exomes below 0.00001 and 0.00001; ExAC 0.00002; gnomAD 0.00003; TOPMed 0.00004.
gnomAD v4.1: 37 of 1,612,822 alleles (0.0023%); highest among the groups gnomAD compares: East Asian, 0.02%; no homozygotes.

Submissions (3):

Labcorp Genetics (formerly Invitae), Labcorp
Classification: Likely benign for Compton-North congenital myopathy. Last evaluated: 2025-10-01. Review status: criteria provided, single submitter. Criteria: Invitae Variant Classification Sherloc (09022015). Collection method: clinical testing. Allele origin: germline.

GeneDx
Classification: Uncertain significance. Last evaluated: 2025-06-02. Review status: criteria provided, single submitter. Criteria: GeneDx Variant Classification Process June 2021. Collection method: clinical testing. Allele origin: germline. Affected: yes.
Comment: In silico analysis suggests this variant may impact gene splicing. In the absence of RNA/functional studies, the actual effect of this sequence change is unknown.; Has not been previously published as pathogenic or benign to our knowledge

Blueprint Genetics
Classification: Likely benign. Last evaluated: 2024-10-21. Review status: criteria provided, single submitter. Criteria: ACMG Guidelines, 2015. Collection method: clinical testing. Allele origin: germline.

NM_001843.4(CNTN1):c.633C>T (p.Cys211=)

Gene: CNTN1 (contactin 1; plus strand). Cytogenetic location: 12q12.
Variant type: single nucleotide variant.
Coding change: c.633C>T on transcript NM_001843.4 (MANE Select); coding-DNA position 633, C replaced by T.
Protein change: p.Cys211=; no amino-acid change (cysteine 211 retained).
Molecular consequence: synonymous variant.
Genome position (GRCh38, 1-based): chr12:40,929,932, C>T. VCF-style: chr12-40929932-C-T. GRCh37 (hg19) VCF-style: chr12-41323734-C-T.
Other names: c.633C>T, p.Cys211= (NM_001256063.2, NM_001256064.2); c.600C>T, p.Cys200= (NM_175038.2).
Identifiers: ClinVar variation 707743 (VCV000707743.13), dbSNP rs746981200, ClinGen allele CA6516660.